The following is an entry in ClinVar:

NM_002691.4(POLD1):c.982G>T (p.Glu328Ter)

Gene: POLD1 (DNA polymerase delta 1, catalytic subunit; plus strand). Cytogenetic location: 19q13.33.
Variant type: single nucleotide variant.
Coding change: c.982G>T on transcript NM_002691.4 (MANE Select); coding-DNA position 982, G replaced by T.
Protein change: p.Glu328Ter; replaces glutamic acid 328 with a stop codon.
Molecular consequence: nonsense. On other transcripts: non-coding transcript variant (1).
Genome position (GRCh38, 1-based): chr19:50,403,064, G>T. VCF-style: chr19-50403064-G-T. GRCh37 (hg19) VCF-style: chr19-50906321-G-T.
Other names: c.982G>T, p.Glu328Ter (NM_001256849.1, NM_001308632.1); short protein forms E328*.
Identifiers: ClinVar variation 3781363 (VCV003781363.1).
Genomic context (GRCh38, chr19:50,403,064, plus strand): 5'-TTGGGAGTGAGGGGCAGGAGTCAGGCCCCTGCATCCTCCTGCCTCGCAGGCATCTTCCCT[G>T]AGCCTGAGCGGGACCCTGTCATCCAGATCTGCTCGCTGGGCCTGCGCTGGGGGGAGCCGG-3'

ClinVar aggregate classification (germline): Uncertain significance (1 of 4 stars; one submission).

Conditions:
Hereditary cancer-predisposing syndrome. Also called: Neoplastic Syndromes, Hereditary; Hereditary Cancer Syndrome; Tumor predisposition; Hereditary neoplastic syndrome. Identifiers: Orphanet 140162, MedGen C0027672, MeSH D009386, MONDO:0015356.

Submission:

Ambry Genetics
Classification: Uncertain significance for Hereditary cancer-predisposing syndrome. Last evaluated: 2024-12-30. Review status: criteria provided, single submitter. Criteria: Ambry Variant Classification Scheme 2023. Collection method: clinical testing. Allele origin: germline.
Comment: The p.E328* variant (also known as c.982G>T), located in coding exon 8 of the POLD1 gene, results from a G to T substitution at nucleotide position 982. This changes the amino acid from a glutamic acid to a stop codon within coding exon 8. This alteration is expected to result in protein truncation or nonsense-mediated mRNA decay. However, loss of function of POLD1 has not been established as a mechanism of disease. Based on the available evidence, the clinical significance of this alteration remains unclear.